The following is an entry in ClinVar:

ClinVar aggregate classification (germline): Likely benign. Review status: criteria provided, multiple submitters, no conflicts (2 of 4 stars). 2 submissions from 2 submitters: Likely benign (2). Last evaluated 2025-11-03.

Conditions:
TRPM1-related disorder. Also called: TRPM1-related condition.

Allele frequency attached by ClinVar (database versions not stated): TOPMed below 0.00001; gnomAD 0.00001; gnomAD exomes 0.00001.
gnomAD v4.1: 8 of 1,613,968 alleles (0.0005%); highest among the groups gnomAD compares: Non-Finnish European, 0.00068%; no homozygotes.

Submissions (2):

PreventionGenetics, part of Exact Sciences
Classification: Likely benign for TRPM1-related condition. Last evaluated: 2025-11-03. Review status: criteria provided, single submitter. Criteria: ACMG Guidelines, 2015. Collection method: clinical testing. Allele origin: germline.
Comment: This variant is classified as likely benign based on ACMG/AMP sequence variant interpretation guidelines (Richards et al. 2015 PMID: 25741868, with internal and published modifications).

Labcorp Genetics (formerly Invitae), Labcorp
Classification: Likely benign. Last evaluated: 2024-05-27. Review status: criteria provided, single submitter. Criteria: Invitae Variant Classification Sherloc (09022015). Collection method: clinical testing. Allele origin: germline.

NM_001252024.2(TRPM1):c.3957C>G (p.Val1319=)

Gene: TRPM1 (transient receptor potential cation channel subfamily M member 1; minus strand). Cytogenetic location: 15q13.3.
Variant type: single nucleotide variant.
Coding change: c.3957C>G on transcript NM_001252024.2 (MANE Select); coding-DNA position 3957, C replaced by G.
Protein change: p.Val1319=; no amino-acid change (valine 1319 retained).
Molecular consequence: synonymous variant.
Genome position (GRCh38, 1-based): chr15:31,002,743, G>C on the plus strand (C>G on the coding strand, the complement: TRPM1 is on the minus strand). VCF-style: chr15-31002743-G-C. GRCh37 (hg19) VCF-style: chr15-31294946-G-C.
Other names: c.4008C>G (NM_001252020.1); c.4008C>G, p.Val1336= (NM_001252020.2); c.3891C>G, p.Val1297= (NM_002420.6).
Identifiers: ClinVar variation 1143063 (VCV001143063.10), dbSNP rs1241029548, ClinGen allele CA489643963.